The following is an entry in ClinVar:

NM_001005242.3(PKP2):c.2282A>G (p.Asn761Ser)

Gene: PKP2 (plakophilin 2; minus strand). Cytogenetic location: 12p11.21.
Variant type: single nucleotide variant.
Coding change: c.2282A>G on transcript NM_001005242.3 (MANE Select); coding-DNA position 2282, A replaced by G.
Protein change: p.Asn761Ser; replaces asparagine 761 with serine.
Molecular consequence: missense variant.
Genome position (GRCh38, 1-based): chr12:32,796,184, T>C on the plus strand (A>G on the coding strand, the complement: PKP2 is on the minus strand). VCF-style: chr12-32796184-T-C. GRCh37 (hg19) VCF-style: chr12-32949118-T-C.
Other names: c.2414A>G, p.Asn805Ser (NM_004572.4); short protein forms N761S, N805S.
Identifiers: ClinVar variation 1014795 (VCV001014795.17), dbSNP rs1488359220, ClinGen allele CA384357734.

ClinVar aggregate classification (germline): Uncertain significance. Review status: criteria provided, multiple submitters, no conflicts (2 of 4 stars). 4 submissions from 4 submitters: Uncertain significance (4). Last evaluated 2024-08-06.

Conditions:
Cardiomyopathy (CMYO). Also called: Cardiomyopathies. Identifiers: Orphanet 167848, MedGen C0878544, MONDO:0004994, HP:0001638. Inheritance: Various modes of inheritance.
Cardiovascular phenotype. Identifiers: MedGen CN230736.
Arrhythmogenic right ventricular cardiomyopathy (ARVD). Also called: Cardiomyopathy, ARVC; Arrhythmogenic right ventricular dysplasia; Arrhythmogenic cardiomyopathy; Arrhythmogenic Right Ventricular Cardiomyopathy (ARVC). Identifiers: Orphanet 247, MedGen C0349788, MeSH D019571, MONDO:0016587. Disease mechanism: loss of function. Inheritance: Various modes of inheritance.
Arrhythmogenic right ventricular dysplasia 9 (ARVD9). Also called: Arrhythmogenic Right Ventricular Dysplasia/Cardiomyopathy 9; ARRHYTHMOGENIC RIGHT VENTRICULAR DYSPLASIA, FAMILIAL, 9. Identifiers: MedGen C1836906, MONDO:0012180, OMIM 609040.

Allele frequency attached by ClinVar (database versions not stated): gnomAD exomes below 0.00001 and 0.00001; gnomAD 0.00001; TOPMed 0.00001.

Submissions (4):

All of Us Research Program, National Institutes of Health
Classification: Uncertain significance for Arrhythmogenic right ventricular cardiomyopathy. Last evaluated: 2024-08-06. Review status: criteria provided, single submitter. Criteria: ACMG Guidelines, 2015. Collection method: clinical testing. Allele origin: germline. Inheritance: Autosomal dominant inheritance. Observed: 3 variant alleles, 3 heterozygotes.
Comment: This missense variant replaces asparagine with serine at codon 805 of the PKP2 protein. Computational prediction suggests that this variant may not impact protein structure and function (internally defined REVEL score threshold <= 0.5, PMID: 27666373). To our knowledge, functional studies have not been reported for this variant. This variant has not been reported in individuals affected with cardiovascular disorders in the literature. This variant has been identified in 1/251488 chromosomes in the general population by the Genome Aggregation Database (gnomAD). The available evidence is insufficient to determine the role of this variant in disease conclusively. Therefore, this variant is classified as a Variant of Uncertain Significance.

This study involves interpretation of variants in research participants for the purpose of population health screening. Participant phenotype was not available at the time of variant classification. Additional details can be found in publication PMID: 35346344, PMCID: PMC8962531

Color Diagnostics, LLC DBA Color Health
Classification: Uncertain significance for Cardiomyopathy. Last evaluated: 2024-03-06. Review status: criteria provided, single submitter. Criteria: ACMG Guidelines, 2015. Collection method: clinical testing. Allele origin: germline.
Comment: This missense variant replaces asparagine with serine at codon 805 of the PKP2 protein. Computational prediction suggests that this variant may not impact protein structure and function (internally defined REVEL score threshold <= 0.5, PMID: 27666373). To our knowledge, functional studies have not been reported for this variant. This variant has not been reported in individuals affected with PKP2-related disorders in the literature. This variant has been identified in 1/251488 chromosomes in the general population by the Genome Aggregation Database (gnomAD). The available evidence is insufficient to determine the role of this variant in disease conclusively. Therefore, this variant is classified as a Variant of Uncertain Significance.

Ambry Genetics
Classification: Uncertain significance for Cardiovascular phenotype. Last evaluated: 2023-04-18. Review status: criteria provided, single submitter. Criteria: Ambry Variant Classification Scheme 2023. Collection method: clinical testing. Allele origin: germline.
Comment: The p.N805S variant (also known as c.2414A>G), located in coding exon 12 of the PKP2 gene, results from an A to G substitution at nucleotide position 2414. The asparagine at codon 805 is replaced by serine, an amino acid with highly similar properties. This amino acid position is conserved. In addition, this alteration is predicted to be tolerated by in silico analysis. Since supporting evidence is limited at this time, the clinical significance of this alteration remains unclear.

Labcorp Genetics (formerly Invitae), Labcorp
Classification: Uncertain significance for Arrhythmogenic right ventricular dysplasia 9. Last evaluated: 2022-05-02. Review status: criteria provided, single submitter. Criteria: Invitae Variant Classification Sherloc (09022015). Collection method: clinical testing. Allele origin: germline.
Comment: ClinVar contains an entry for this variant (Variation ID: 1014795). In summary, the available evidence is currently insufficient to determine the role of this variant in disease. Therefore, it has been classified as a Variant of Uncertain Significance. Algorithms developed to predict the effect of missense changes on protein structure and function (SIFT, PolyPhen-2, Align-GVGD) all suggest that this variant is likely to be tolerated. This variant has not been reported in the literature in individuals affected with PKP2-related conditions. This variant is present in population databases (no rsID available, gnomAD 0.0009%). This sequence change replaces asparagine, which is neutral and polar, with serine, which is neutral and polar, at codon 805 of the PKP2 protein (p.Asn805Ser).